The following is an entry in ClinVar:

ClinVar aggregate classification (germline): Likely benign. Review status: criteria provided, single submitter (1 of 4 stars). 2 submissions from 2 submitters: Likely benign (1). 1 of the submissions does not count toward it. Last evaluated 2024-10-01.

Conditions:
GEMIN4-related disorder. Also called: GEMIN4-related condition.

Allele frequency attached by ClinVar (database versions not stated): ExAC 0.00022; gnomAD 0.00023; ESP Exome Variant Server 0.00024; TOPMed 0.00028; 1000 Genomes Project 30x 0.00031; gnomAD exomes 0.00031.
gnomAD v4.1: 482 of 1,613,734 alleles (0.03%); highest among the groups gnomAD compares: Non-Finnish European, 0.04%; no homozygotes.

Submissions (2):

CeGaT Center for Human Genetics Tuebingen
Classification: Likely benign. Last evaluated: 2024-10-01. Review status: criteria provided, single submitter. Criteria: CeGaT Center For Human Genetics Tuebingen Variant Classification Criteria Version 2. Collection method: clinical testing. Allele origin: germline. Affected: yes. Observed: 4 variant alleles.
Comment: GEMIN4: BP4, BP7

PreventionGenetics, part of Exact Sciences
Classification: Likely benign for GEMIN4-related condition. Last evaluated: 2023-10-11. Review status: no assertion criteria provided. Collection method: clinical testing. Allele origin: germline. Not counted in ClinVar's aggregate classification.
Comment: This variant is classified as likely benign based on ACMG/AMP sequence variant interpretation guidelines (Richards et al. 2015 PMID: 25741868, with internal and published modifications).

NM_015721.3(GEMIN4):c.945G>A (p.Val315=)

Gene: GEMIN4 (gem nuclear organelle associated protein 4; minus strand). Cytogenetic location: 17p13.3.
Variant type: single nucleotide variant.
Coding change: c.945G>A on transcript NM_015721.3 (MANE Select); coding-DNA position 945, G replaced by A.
Protein change: p.Val315=; no amino-acid change (valine 315 retained).
Molecular consequence: synonymous variant.
Genome position (GRCh38, 1-based): chr17:747,098, C>T on the plus strand (G>A on the coding strand, the complement: GEMIN4 is on the minus strand). VCF-style: chr17-747098-C-T. GRCh37 (hg19) VCF-style: chr17-650338-C-T.
Identifiers: ClinVar variation 2647173 (VCV002647173.25), dbSNP rs375616543, ClinGen allele CA8262760.